The following is an entry in ClinVar:

ClinVar aggregate classification (germline): Conflicting classifications of pathogenicity. Review status: criteria provided, conflicting classifications (1 of 4 stars). 3 submissions from 3 submitters: Uncertain significance (2); Likely benign (1). Last evaluated 2025-07-07.

Conditions:
Inborn genetic diseases. Identifiers: MedGen C0950123, MeSH D030342.

Allele frequency attached by ClinVar (database versions not stated): gnomAD 0.00001; TOPMed 0.00003; gnomAD exomes 0.00011 and 0.00005; ExAC 0.00015.
gnomAD v4.1: 32 of 1,613,128 alleles (0.002%); highest among the groups gnomAD compares: Admixed American, 0.053%; no homozygotes.

Submissions (3):

Labcorp Genetics (formerly Invitae), Labcorp
Classification: Likely benign. Last evaluated: 2025-07-07. Review status: criteria provided, single submitter. Criteria: Invitae Variant Classification Sherloc (09022015). Collection method: clinical testing. Allele origin: germline.

GeneDx
Classification: Uncertain significance. Last evaluated: 2025-01-28. Review status: criteria provided, single submitter. Criteria: GeneDx Variant Classification Process June 2021. Collection method: clinical testing. Allele origin: germline. Affected: yes.
Comment: In silico analysis supports that this missense variant has a deleterious effect on protein structure/function; Has not been previously published as pathogenic or benign to our knowledge

Ambry Genetics
Classification: Uncertain significance for Inborn genetic diseases. Last evaluated: 2024-05-16. Review status: criteria provided, single submitter. Criteria: Ambry Variant Classification Scheme 2023. Collection method: clinical testing. Allele origin: germline.

NM_021252.5(RAB18):c.93T>A (p.Asp31Glu)

Gene: RAB18 (RAB18, member RAS oncogene family; plus strand). Cytogenetic location: 10p12.1.
Variant type: single nucleotide variant.
Coding change: c.93T>A on transcript NM_021252.5 (MANE Select); coding-DNA position 93, T replaced by A.
Protein change: p.Asp31Glu; replaces aspartic acid 31 with glutamic acid.
Molecular consequence: missense variant. On other transcripts: non-coding transcript variant (1).
Genome position (GRCh38, 1-based): chr10:27,509,899, T>A. VCF-style: chr10-27509899-T-A. GRCh37 (hg19) VCF-style: chr10-27798828-T-A.
Other names: c.93T>A (NM_021252.4, NM_021252.3); c.93T>A, p.Asp31Glu (NM_001256410.2, NM_001256411.2, NM_001256412.2); short protein forms D31E.
Identifiers: ClinVar variation 1533917 (VCV001533917.10), dbSNP rs750259620, ClinGen allele CA5452232.